The following is an entry in ClinVar:

NM_002303.6(LEPR):c.536G>A (p.Gly179Asp)

Gene: LEPR (leptin receptor; plus strand). Cytogenetic location: 1p31.3.
Variant type: single nucleotide variant.
Coding change: c.536G>A on transcript NM_002303.6 (MANE Select); coding-DNA position 536, G replaced by A.
Protein change: p.Gly179Asp; replaces glycine 179 with aspartic acid.
Molecular consequence: missense variant.
Genome position (GRCh38, 1-based): chr1:65,592,698, G>A. VCF-style: chr1-65592698-G-A. GRCh37 (hg19) VCF-style: chr1-66058381-G-A.
Other names: c.536G>A, p.Gly179Asp (NM_001003679.3, NM_001003680.3, NM_001198687.2 and 2 more transcripts); short protein forms G179D.
Identifiers: ClinVar variation 297987 (VCV000297987.10), dbSNP rs151190195, ClinGen allele CA894583.

ClinVar aggregate classification (germline): Conflicting classifications of pathogenicity. Review status: criteria provided, conflicting classifications (1 of 4 stars). 3 submissions from 3 submitters: Uncertain significance (2); Likely benign (1). Last evaluated 2026-03-14.

Conditions:
LEPR-related disorder. Also called: LEPR-related condition; LEPR-related disorders.
Inborn genetic diseases. Identifiers: MedGen C0950123, MeSH D030342.

Allele frequency attached by ClinVar (database versions not stated): gnomAD 0.00002 and 0.00003; TOPMed 0.00003; ExAC 0.00007; ESP Exome Variant Server 0.00008; gnomAD exomes 0.00008.
gnomAD v4.1: 94 of 1,612,974 alleles (0.0058%); highest among the groups gnomAD compares: Non-Finnish European, 0.0068%; no homozygotes.

Submissions (3):

PreventionGenetics, part of Exact Sciences
Classification: Uncertain significance for LEPR-related condition. Last evaluated: 2026-03-14. Review status: criteria provided, single submitter. Criteria: ACMG Guidelines, 2015. Collection method: clinical testing. Allele origin: germline.
Comment: The LEPR c.536G>A variant is predicted to result in the amino acid substitution p.Gly179Asp. This variant was observed in a cohort of obese individuals, and in vitro functional studies showed inconclusive evidence of loss of function (Supplemental Data Set, Shah et al. 2023. PubMed ID: 36864747). This variant is reported in 0.019% of alleles in individuals of Ashkenazi Jewish descent in gnomAD. At this time, the clinical significance of this variant is uncertain due to the absence of conclusive functional and genetic evidence.

Ambry Genetics
Classification: Likely benign for Inborn genetic diseases. Last evaluated: 2024-01-03. Review status: criteria provided, single submitter. Criteria: Ambry Variant Classification Scheme 2023. Collection method: clinical testing. Allele origin: germline.

Labcorp Genetics (formerly Invitae), Labcorp
Classification: Uncertain significance. Last evaluated: 2023-06-29. Review status: criteria provided, single submitter. Criteria: Invitae Variant Classification Sherloc (09022015). Collection method: clinical testing. Allele origin: germline.
Comment: This sequence change replaces glycine, which is neutral and non-polar, with aspartic acid, which is acidic and polar, at codon 179 of the LEPR protein (p.Gly179Asp). This variant is present in population databases (rs151190195, gnomAD 0.02%). This variant has not been reported in the literature in individuals affected with LEPR-related conditions. ClinVar contains an entry for this variant (Variation ID: 297987). Advanced modeling of protein sequence and biophysical properties (such as structural, functional, and spatial information, amino acid conservation, physicochemical variation, residue mobility, and thermodynamic stability) performed at Invitae indicates that this missense variant is not expected to disrupt LEPR protein function. In summary, the available evidence is currently insufficient to determine the role of this variant in disease. Therefore, it has been classified as a Variant of Uncertain Significance.